The following is an entry in ClinVar:

NM_001042750.2(STAG2):c.3750T>G (p.Asp1250Glu)

Gene: STAG2 (STAG2 cohesin complex component; plus strand). Cytogenetic location: Xq25.
Variant type: single nucleotide variant.
Coding change: c.3750T>G on transcript NM_001042750.2 (MANE Select); coding-DNA position 3750, T replaced by G.
Protein change: p.Asp1250Glu; replaces aspartic acid 1250 with glutamic acid.
Molecular consequence: missense variant.
Genome position (GRCh38, 1-based): chrX:124,095,416, T>G. VCF-style: chrX-124095416-T-G. GRCh37 (hg19) VCF-style: chrX-123229266-T-G.
Other names: c.3639T>G, p.Asp1213Glu (NM_001282418.2, NM_001375373.1, NM_001375374.1 and 12 more transcripts); c.3750T>G, p.Asp1250Glu (NM_001375366.1, NM_001375367.1, NM_001375368.1 and 8 more transcripts); short protein forms D1213E, D1250E.
Identifiers: ClinVar variation 4804531 (VCV004804531.1).

ClinVar aggregate classification (germline): Uncertain significance (1 of 4 stars; one submission).

Submission:

Labcorp Genetics (formerly Invitae), Labcorp
Classification: Uncertain significance. Last evaluated: 2025-09-17. Review status: criteria provided, single submitter. Criteria: Invitae Variant Classification Sherloc (09022015). Collection method: clinical testing. Allele origin: germline.
Comment: This sequence change replaces aspartic acid, which is acidic and polar, with glutamic acid, which is acidic and polar, at codon 1250 of the STAG2 protein (p.Asp1250Glu). This variant is not present in population databases (gnomAD no frequency). This variant has not been reported in the literature in individuals affected with STAG2-related conditions. An algorithm developed to predict the effect of missense changes on protein structure and function (PolyPhen-2) suggests that this variant is likely to be disruptive. In summary, the available evidence is currently insufficient to determine the role of this variant in disease. Therefore, it has been classified as a Variant of Uncertain Significance.